The following is an entry in ClinVar:

NM_016213.5(TRIP4):c.106G>A (p.Val36Ile)

Gene: TRIP4 (thyroid hormone receptor interactor 4; plus strand). Cytogenetic location: 15q22.31.
Variant type: single nucleotide variant.
Coding change: c.106G>A on transcript NM_016213.5 (MANE Select); coding-DNA position 106, G replaced by A.
Protein change: p.Val36Ile; replaces valine 36 with isoleucine.
Molecular consequence: missense variant. On other transcripts: 5 prime UTR variant (1), non-coding transcript variant (1).
Genome position (GRCh38, 1-based): chr15:64,393,950, G>A. VCF-style: chr15-64393950-G-A. GRCh37 (hg19) VCF-style: chr15-64686149-G-A.
Other names: c.-585G>A (NM_001321924.2); c.106G>A (NM_016213.4); short protein forms V36I.
Identifiers: ClinVar variation 2198342 (VCV002198342.2), dbSNP rs377645266, ClinGen allele CA7609288.

ClinVar aggregate classification (germline): Uncertain significance. Review status: criteria provided, multiple submitters, no conflicts (2 of 4 stars). 2 submissions from 2 submitters: Uncertain significance (2). Last evaluated 2025-02-24.

Allele frequency attached by ClinVar (database versions not stated): ExAC 0.00002; gnomAD exomes 0.00002; gnomAD 0.00004; TOPMed 0.00009; ESP Exome Variant Server 0.00015.
gnomAD v4.1: 39 of 1,581,924 alleles (0.0025%); highest among the groups gnomAD compares: Admixed American, 0.026%; no homozygotes.

Submissions (2):

GeneDx
Classification: Uncertain significance. Last evaluated: 2025-02-24. Review status: criteria provided, single submitter. Criteria: GeneDx Variant Classification Process June 2021. Collection method: clinical testing. Allele origin: germline. Affected: yes.
Comment: In silico analysis indicates that this missense variant does not alter protein structure/function; Has not been previously published as pathogenic or benign to our knowledge

Labcorp Genetics (formerly Invitae), Labcorp
Classification: Uncertain significance. Last evaluated: 2022-08-05. Review status: criteria provided, single submitter. Criteria: Invitae Variant Classification Sherloc (09022015). Collection method: clinical testing. Allele origin: germline.
Comment: This sequence change replaces valine, which is neutral and non-polar, with isoleucine, which is neutral and non-polar, at codon 36 of the TRIP4 protein (p.Val36Ile). This variant is present in population databases (rs377645266, gnomAD 0.05%). This variant has not been reported in the literature in individuals affected with TRIP4-related conditions. Algorithms developed to predict the effect of missense changes on protein structure and function output the following: SIFT: "Tolerated"; PolyPhen-2: "Benign"; Align-GVGD: "Class C0". The isoleucine amino acid residue is found in multiple mammalian species, which suggests that this missense change does not adversely affect protein function. In summary, the available evidence is currently insufficient to determine the role of this variant in disease. Therefore, it has been classified as a Variant of Uncertain Significance.